The following is an entry in ClinVar:

NM_016628.5(WAC):c.367A>C (p.Lys123Gln)

Gene: WAC (WW domain containing adaptor with coiled-coil; plus strand). Cytogenetic location: 10p12.1.
Variant type: single nucleotide variant.
Coding change: c.367A>C on transcript NM_016628.5 (MANE Select); coding-DNA position 367, A replaced by C.
Protein change: p.Lys123Gln; replaces lysine 123 with glutamine.
Molecular consequence: missense variant.
Genome position (GRCh38, 1-based): chr10:28,583,491, A>C. VCF-style: chr10-28583491-A-C. GRCh37 (hg19) VCF-style: chr10-28872420-A-C.
Other names: c.232A>C, p.Lys78Gln (NM_100264.3); c.367A>C, p.Lys123Gln (NM_100486.4); short protein forms K123Q, K78Q.
Identifiers: ClinVar variation 1031972 (VCV001031972.1), dbSNP rs949649739, ClinGen allele CA204573345.

ClinVar aggregate classification (germline): Uncertain significance (1 of 4 stars; one submission).

Conditions:
DeSanto-Shinawi syndrome due to WAC point mutation (DESSH). Also called: DEVELOPMENTAL DELAY, BEHAVIORAL ABNORMALITIES, FACIAL DYSMORPHISM, AND OCULAR ABNORMALITIES; Facial dysmorphism-developmental delay-behavioral abnormalities syndrome due to WAC point mutation; WAC-Related Intellectual Disability. Identifiers: Orphanet 284169, Orphanet 466950, MedGen C5681129, MONDO:0014741, OMIM 616708.

Allele frequency attached by ClinVar (database versions not stated): gnomAD 0.00002; TOPMed 0.00002.
gnomAD v4.1: 4 of 1,579,294 alleles (0.00025%); highest among the groups gnomAD compares: African/African-American, 0.0055%; no homozygotes.

Submission:

Baylor Genetics
Classification: Uncertain significance for DeSanto-Shinawi syndrome due to WAC point mutation. Last evaluated: 2018-01-13. Review status: criteria provided, single submitter. Criteria: ACMG Guidelines, 2015. Collection method: clinical testing. Allele origin: paternal. Affected: yes.
Comment: This variant was determined to be of uncertain significance according to ACMG Guidelines, 2015 [PMID:25741868].